The following is an entry in ClinVar:

ClinVar aggregate classification (germline): Pathogenic. Review status: criteria provided, multiple submitters, no conflicts (2 of 4 stars). 2 submissions from 2 submitters: Pathogenic (2). Last evaluated 2025-12-03.

Submissions (2):

Labcorp Genetics (formerly Invitae), Labcorp
Classification: Pathogenic. Last evaluated: 2025-12-03. Review status: criteria provided, single submitter. Criteria: Invitae Variant Classification Sherloc (09022015). Collection method: clinical testing. Allele origin: germline.
Comment: This sequence change creates a premature translational stop signal (p.Ser731Valfs*8) in the IL6ST gene. While this is not anticipated to result in nonsense mediated decay, it is expected to disrupt the last 188 amino acid(s) of the IL6ST protein. This variant is not present in population databases (gnomAD no frequency). This premature translational stop signal has been observed in individuals with hyper IgE syndrome (PMID: 37273120). It has also been observed to segregate with disease in related individuals. ClinVar contains an entry for this variant (Variation ID: 4083257). Algorithms developed to predict the effect of variants on gene product structure and function are not available or were not evaluated for this variant. Experimental studies have shown that this premature translational stop signal affects IL6ST function (PMID: 37273120). This variant is located in a region of the IL6ST protein where a significant number of IL6ST nonsense and frameshift mutations have been reported in association with autosomal dominant hyper IgE syndrome (PMID: 32207811). For these reasons, this variant has been classified as Pathogenic.

GeneDx
Classification: Pathogenic. Last evaluated: 2025-03-14. Review status: criteria provided, single submitter. Criteria: GeneDx Variant Classification Process June 2021. Collection method: clinical testing. Allele origin: germline. Affected: yes.
Comment: Published functional studies demonstrate a damaging effect on protein function (PMID: 37273120); Frameshift variant predicted to result in abnormal protein length as the last 188 amino acids are replaced with 7 different amino acids, and other similar variants have been reported in HGMD; Not observed at significant frequency in large population cohorts (gnomAD); This variant is associated with the following publications: (PMID: 37273120)

Literature cited by the submitters: PubMed 37273120 (cited by Labcorp Genetics (formerly Invitae), Labcorp); PubMed 32207811 (cited by Labcorp Genetics (formerly Invitae), Labcorp).

NM_002184.4(IL6ST):c.2190dup (p.Ser731fs)

Gene: IL6ST (interleukin 6 cytokine family signal transducer; minus strand). Cytogenetic location: 5q11.2.
Variant type: Duplication.
Coding change: c.2190dup on transcript NM_002184.4 (MANE Select); coding-DNA position 2190, one base duplicated (G; older notation c.2190dupG).
Protein change: p.Ser731fs; shifts the reading frame from serine 731.
Molecular consequence: frameshift variant. On other transcripts: 3 prime UTR variant (1), non-coding transcript variant (2).
Genome position (GRCh38, 1-based): chr5:55,941,649, C duplicated on the plus strand (G on the coding strand, the reverse complement: IL6ST is on the minus strand); the first of 6 consecutive C bases (chr5:55,941,649-55,941,654); duplicating any one gives the same sequence. VCF-style (leftmost placement, unchanged base first): chr5-55941648-A-AC. GRCh37 (hg19) VCF-style: chr5-55237476-A-AC.
Other names: c.2007dup, p.Ser670fs (NM_001190981.2); c.2088dup, p.Ser697fs (NM_001364275.2); c.1980dup, p.Ser661fs (NM_001364276.2); c.1323dup, p.Ser442fs (NM_001364277.2); c.1287dup, p.Ser430fs (NM_001364278.2); c.1194dup, p.Ser399fs (NM_001364279.2); c.*1117dup (NM_175767.3); short protein forms S399fs, S430fs, S442fs, S661fs, S670fs, S697fs, S731fs.
Identifiers: ClinVar variation 4083257 (VCV004083257.2).
Genomic context (GRCh38, chr5:55,941,648, plus strand): 5'-GTGAAGATTCATTTTCATCACTGCTAGAAATGCTTGGCCTAGAAGATGACATGCATGAAG[A>AC]CCCCCCAATACCACTGCTGTGTCCTTCAGTATTAATTTTTTCCTTTTTGAACAGGTCCAA-3'